The following is an entry in ClinVar:

NM_001206927.2(DNAH8):c.3440G>A (p.Arg1147His)

Gene: DNAH8 (dynein axonemal heavy chain 8; plus strand). Cytogenetic location: 6p21.2.
Variant type: single nucleotide variant.
Coding change: c.3440G>A on transcript NM_001206927.2 (MANE Select); coding-DNA position 3440, G replaced by A.
Protein change: p.Arg1147His; replaces arginine 1147 with histidine.
Molecular consequence: missense variant.
Genome position (GRCh38, 1-based): chr6:38,815,574, G>A. VCF-style: chr6-38815574-G-A. GRCh37 (hg19) VCF-style: chr6-38783350-G-A.
Other names: c.2789G>A, p.Arg930His (NM_001371.4); short protein forms R1147H, R930H.
Identifiers: ClinVar variation 2152182 (VCV002152182.2), dbSNP rs960637197, ClinGen allele CA137546050.

ClinVar aggregate classification (germline): Uncertain significance (1 of 4 stars; one submission).

Conditions:
Primary ciliary dyskinesia. Also called: Ciliary dyskinesia. Identifiers: Orphanet 244, MedGen C0008780, MONDO:0016575, HP:0012265.

Allele frequency attached by ClinVar (database versions not stated): gnomAD 0.00001; gnomAD exomes 0.00002; TOPMed 0.00003.
gnomAD v4.1: 31 of 1,613,808 alleles (0.0019%); highest among the groups gnomAD compares: South Asian, 0.0077%; no homozygotes.

Submission:

Labcorp Genetics (formerly Invitae), Labcorp
Classification: Uncertain significance for Primary ciliary dyskinesia. Last evaluated: 2022-10-24. Review status: criteria provided, single submitter. Criteria: Invitae Variant Classification Sherloc (09022015). Collection method: clinical testing. Allele origin: germline.
Comment: In summary, the available evidence is currently insufficient to determine the role of this variant in disease. Therefore, it has been classified as a Variant of Uncertain Significance. Algorithms developed to predict the effect of missense changes on protein structure and function output the following: SIFT: "Deleterious"; PolyPhen-2: "Not Available"; Align-GVGD: "Class C0". The histidine amino acid residue is found in multiple mammalian species, which suggests that this missense change does not adversely affect protein function. This variant has not been reported in the literature in individuals affected with DNAH8-related conditions. This variant is present in population databases (no rsID available, gnomAD 0.01%). This sequence change replaces arginine, which is basic and polar, with histidine, which is basic and polar, at codon 1147 of the DNAH8 protein (p.Arg1147His).